The following is an entry in ClinVar:

ClinVar aggregate classification (germline): Conflicting classifications of pathogenicity. Review status: criteria provided, conflicting classifications (1 of 4 stars). 3 submissions from 3 submitters: Uncertain significance (1); Benign (2). Last evaluated 2025-08-04.

Allele frequency attached by ClinVar (database versions not stated): gnomAD 0.00076; ExAC 0.00676.

Submissions (3):

Ambry Genetics
Classification: Uncertain significance. Last evaluated: 2025-08-04. Review status: criteria provided, single submitter. Criteria: Ambry Variant Classification Scheme 2023. Collection method: clinical testing. Allele origin: germline.

Laboratory for Molecular Medicine, Mass General Brigham Personalized Medicine
Classification: Benign. Last evaluated: 2016-03-28. Review status: criteria provided, single submitter. Criteria: LMM Criteria. Collection method: clinical testing. Allele origin: germline.
Comment: Variant identified in a genome or exome case(s) and assessed due to predicted null impact of the variant or pathogenic assertions in the literature or databases. Disclaimer: This variant has not undergone full assessment. The following are preliminary notes: Frequency

Breakthrough Genomics
Classification: Benign. Review status: criteria provided, single submitter. Criteria: ACMG Guidelines, 2015. Collection method: not provided. Allele origin: germline. Inheritance: Unknown mechanism. Affected: yes.

NM_001144950.2(SSC5D):c.3931C>G (p.Pro1311Ala)

Gene: SSC5D (scavenger receptor cysteine rich family member with 5 domains; plus strand). Cytogenetic location: 19q13.42.
Variant type: single nucleotide variant.
Coding change: c.3931C>G on transcript NM_001144950.2 (MANE Select); coding-DNA position 3931, C replaced by G.
Protein change: p.Pro1311Ala; replaces proline 1311 with alanine.
Molecular consequence: missense variant.
Genome position (GRCh38, 1-based): chr19:55,518,207, C>G. VCF-style: chr19-55518207-C-G. GRCh37 (hg19) VCF-style: chr19-56029574-C-G.
Other names: short protein forms P1311A.
Identifiers: ClinVar variation 403489 (VCV000403489.6), dbSNP rs778514407, ClinGen allele CA9676778.